The following is an entry in ClinVar:

NM_024753.5(TTC21B):c.2138G>T (p.Arg713Ile)

Gene: TTC21B (tetratricopeptide repeat domain 21B; minus strand). Cytogenetic location: 2q24.3.
Variant type: single nucleotide variant.
Coding change: c.2138G>T on transcript NM_024753.5 (MANE Select); coding-DNA position 2138, G replaced by T.
Protein change: p.Arg713Ile; replaces arginine 713 with isoleucine.
Molecular consequence: missense variant.
Genome position (GRCh38, 1-based): chr2:165,915,201, C>A on the plus strand (G>T on the coding strand, the complement: TTC21B is on the minus strand). VCF-style: chr2-165915201-C-A. GRCh37 (hg19) VCF-style: chr2-166771711-C-A.
Other names: c.2138G>T (NM_024753.4); short protein forms R713I.
Identifiers: ClinVar variation 1435213 (VCV001435213.8), dbSNP rs781708463, ClinGen allele CA1941935.

ClinVar aggregate classification (germline): Uncertain significance. Review status: criteria provided, multiple submitters, no conflicts (2 of 4 stars). 3 submissions from 3 submitters: Uncertain significance (3). Last evaluated 2025-03-05.

Conditions:
TTC21B-related disorder. Also called: TTC21B-related disorders; TTC21B-related condition.
Nephronophthisis. Also called: Juvenile Nephronophthisis. Identifiers: Orphanet 655, MedGen C0687120, MONDO:0019005, HP:0000090.
Jeune thoracic dystrophy. Also called: Jeune syndrome; Infantile thoracic dystrophy; Thoracic pelvic phalangeal dystrophy; Jeune's syndrome; Chondroectodermal dysplasia-like syndrome; Short-rib thoracic dysplasia. Identifiers: Orphanet 474, MedGen C0265275, MONDO:0018770.

Allele frequency attached by ClinVar (database versions not stated): gnomAD exomes below 0.00001 and 0.00002; ExAC 0.00001; gnomAD 0.00001.
gnomAD v4.1: 26 of 1,608,208 alleles (0.0016%); highest among the groups gnomAD compares: Non-Finnish European, 0.002%; no homozygotes.

Submissions (3):

PreventionGenetics, part of Exact Sciences
Classification: Uncertain significance for TTC21B-related condition. Last evaluated: 2025-03-05. Review status: criteria provided, single submitter. Criteria: ACMG Guidelines, 2015. Collection method: clinical testing. Allele origin: germline.
Comment: The TTC21B c.2138G>T variant is predicted to result in the amino acid substitution p.Arg713Ile. To our knowledge, this variant has not been reported in the literature. This variant is reported in 0.00088% of alleles in individuals of European (non-Finnish) descent in gnomAD. At this time, the clinical significance of this variant is uncertain due to the absence of conclusive functional and genetic evidence.

Labcorp Genetics (formerly Invitae), Labcorp
Classification: Uncertain significance for Jeune thoracic dystrophy; Nephronophthisis. Last evaluated: 2022-10-17. Review status: criteria provided, single submitter. Criteria: Invitae Variant Classification Sherloc (09022015). Collection method: clinical testing. Allele origin: germline.
Comment: In summary, the available evidence is currently insufficient to determine the role of this variant in disease. Therefore, it has been classified as a Variant of Uncertain Significance. Variants that disrupt the consensus splice site are a relatively common cause of aberrant splicing (PMID: 17576681, 9536098). Algorithms developed to predict the effect of missense changes on protein structure and function are either unavailable or do not agree on the potential impact of this missense change (SIFT: "Deleterious"; PolyPhen-2: "Possibly Damaging"; Align-GVGD: "Class C0"). ClinVar contains an entry for this variant (Variation ID: 1435213). This variant has not been reported in the literature in individuals affected with TTC21B-related conditions. This variant is present in population databases (rs781708463, gnomAD 0.0009%). This sequence change replaces arginine, which is basic and polar, with isoleucine, which is neutral and non-polar, at codon 713 of the TTC21B protein (p.Arg713Ile). This variant also falls at the last nucleotide of exon 15, which is part of the consensus splice site for this exon.

Blueprint Genetics
Classification: Uncertain significance. Last evaluated: 2021-01-11. Review status: criteria provided, single submitter. Criteria: ACMG Guidelines, 2015. Collection method: clinical testing. Allele origin: germline.

Literature cited by the submitters: PubMed 17576681 (cited by Labcorp Genetics (formerly Invitae), Labcorp); PubMed 9536098 (cited by Labcorp Genetics (formerly Invitae), Labcorp).